The following is an entry in ClinVar:

ClinVar aggregate classification (germline): Uncertain significance (1 of 4 stars; one submission).

Submission:

Ambry Genetics
Classification: Uncertain significance. Last evaluated: 2024-03-20. Review status: criteria provided, single submitter. Criteria: Ambry Variant Classification Scheme 2023. Collection method: clinical testing. Allele origin: germline.
Comment: The p.K965E variant (also known as c.2893A>G), located in coding exon 23 of the BUB1 gene, results from an A to G substitution at nucleotide position 2893. The lysine at codon 965 is replaced by glutamic acid, an amino acid with similar properties. This amino acid position is conserved. In addition, this alteration is predicted to be tolerated by in silico analysis. Based on the available evidence, the clinical significance of this alteration remains unclear.

NM_004336.5(BUB1):c.2893A>G (p.Lys965Glu)

Gene: BUB1 (BUB1 mitotic checkpoint serine/threonine kinase; minus strand). Cytogenetic location: 2q13.
Variant type: single nucleotide variant.
Coding change: c.2893A>G on transcript NM_004336.5 (MANE Select); coding-DNA position 2893, A replaced by G.
Protein change: p.Lys965Glu; replaces lysine 965 with glutamic acid.
Molecular consequence: missense variant.
Genome position (GRCh38, 1-based): chr2:110,641,096, T>C on the plus strand (A>G on the coding strand, the complement: BUB1 is on the minus strand). VCF-style: chr2-110641096-T-C. GRCh37 (hg19) VCF-style: chr2-111398673-T-C.
Other names: c.2833A>G, p.Lys945Glu (NM_001278616.2); c.2722A>G, p.Lys908Glu (NM_001278617.2); short protein forms K908E, K945E, K965E.
Identifiers: ClinVar variation 3262127 (VCV003262127.1).